The following is an entry in ClinVar:

ClinVar aggregate classification (germline): Uncertain significance (1 of 4 stars; one submission).

Conditions:
Congenital myopathy with internal nuclei and atypical cores. Also called: Myopathy, centronuclear, 4. Identifiers: Orphanet 319160, MedGen C4707232, MONDO:0013890, OMIM 614807.

Submission:

Labcorp Genetics (formerly Invitae), Labcorp
Classification: Uncertain significance for Congenital myopathy with internal nuclei and atypical cores. Last evaluated: 2025-02-26. Review status: criteria provided, single submitter. Criteria: Invitae Variant Classification Sherloc (09022015). Collection method: clinical testing. Allele origin: germline.
Comment: This sequence change replaces serine, which is neutral and polar, with threonine, which is neutral and polar, at codon 331 of the CCDC78 protein (p.Ser331Thr). This variant is not present in population databases (gnomAD no frequency). This variant has not been reported in the literature in individuals affected with CCDC78-related conditions. Invitae Evidence Modeling of protein sequence and biophysical properties (such as structural, functional, and spatial information, amino acid conservation, physicochemical variation, residue mobility, and thermodynamic stability) indicates that this missense variant is not expected to disrupt CCDC78 protein function with a negative predictive value of 80%. In summary, the available evidence is currently insufficient to determine the role of this variant in disease. Therefore, it has been classified as a Variant of Uncertain Significance.

NM_001378030.1(CCDC78):c.992G>C (p.Ser331Thr)

Gene: CCDC78 (coiled-coil domain containing 78; minus strand). Cytogenetic location: 16p13.3.
Variant type: single nucleotide variant.
Coding change: c.992G>C on transcript NM_001378030.1 (MANE Select); coding-DNA position 992, G replaced by C.
Protein change: p.Ser331Thr; replaces serine 331 with threonine.
Molecular consequence: missense variant. On other transcripts: non-coding transcript variant (5), intron variant (1).
Genome position (GRCh38, 1-based): chr16:724,167, C>G on the plus strand (G>C on the coding strand, the complement: CCDC78 is on the minus strand). VCF-style: chr16-724167-C-G. GRCh37 (hg19) VCF-style: chr16-774167-C-G.
Other names: c.992G>C, p.Ser331Thr (NM_001031737.3); c.425G>C, p.Ser142Thr (NM_001378033.1); c.953+155G>C (NM_001378031.1); short protein forms S142T, S331T.
Identifiers: ClinVar variation 4770746 (VCV004770746.1).